The following is an entry in ClinVar:

ClinVar aggregate classification (germline): Uncertain significance. Review status: criteria provided, multiple submitters, no conflicts (2 of 4 stars). 2 submissions from 2 submitters: Uncertain significance (2). Last evaluated 2025-02-10.

Conditions:
Hereditary cancer-predisposing syndrome. Also called: Neoplastic Syndromes, Hereditary; Tumor predisposition; Hereditary Cancer Syndrome; Hereditary neoplastic syndrome. Identifiers: Orphanet 140162, MedGen C0027672, MeSH D009386, MONDO:0015356.

Allele frequency attached by ClinVar (database versions not stated): gnomAD exomes below 0.00001.

Submissions (2):

Ambry Genetics
Classification: Uncertain significance for Hereditary cancer-predisposing syndrome. Last evaluated: 2025-02-10. Review status: criteria provided, single submitter. Criteria: Ambry Variant Classification Scheme 2023. Collection method: clinical testing. Allele origin: germline.
Comment: The p.M136L variant (also known as c.406A>T), located in coding exon 3 of the XRCC2 gene, results from an A to T substitution at nucleotide position 406. The methionine at codon 136 is replaced by leucine, an amino acid with highly similar properties. This amino acid position is conserved. In addition, this alteration is predicted to be tolerated by in silico analysis. Based on the available evidence, the clinical significance of this variant remains unclear.

Labcorp Genetics (formerly Invitae), Labcorp
Classification: Uncertain significance. Last evaluated: 2018-10-03. Review status: criteria provided, single submitter. Criteria: Invitae Variant Classification Sherloc (09022015). Collection method: clinical testing. Allele origin: germline.
Comment: This sequence change replaces methionine with leucine at codon 136 of the XRCC2 protein (p.Met136Leu). The methionine residue is moderately conserved and there is a small physicochemical difference between methionine and leucine. This variant is not present in population databases (ExAC no frequency). This variant has not been reported in the literature in individuals with XRCC2-related disease. Algorithms developed to predict the effect of missense changes on protein structure and function output the following: SIFT: "Tolerated"; PolyPhen-2: "Benign"; Align-GVGD: "Class C0". The leucine amino acid residue is found in multiple mammalian species, suggesting that this missense change does not adversely affect protein function. These predictions have not been confirmed by published functional studies and their clinical significance is uncertain. In summary, the available evidence is currently insufficient to determine the role of this variant in disease. Therefore, it has been classified as a Variant of Uncertain Significance.

NM_005431.2(XRCC2):c.406A>T (p.Met136Leu)

Gene: XRCC2 (X-ray repair cross complementing 2; minus strand). Cytogenetic location: 7q36.1.
Variant type: single nucleotide variant.
Coding change: c.406A>T on transcript NM_005431.2 (MANE Select); coding-DNA position 406, A replaced by T.
Protein change: p.Met136Leu; replaces methionine 136 with leucine.
Molecular consequence: missense variant.
Genome position (GRCh38, 1-based): chr7:152,649,079, T>A on the plus strand (A>T on the coding strand, the complement: XRCC2 is on the minus strand). VCF-style: chr7-152649079-T-A. GRCh37 (hg19) VCF-style: chr7-152346164-T-A.
Other names: short protein forms M136L.
Identifiers: ClinVar variation 649576 (VCV000649576.9), dbSNP rs1590129550, ClinGen allele CA370198770.